The following is an entry in ClinVar:

NM_174878.3(CLRN1):c.*1038G>A

Gene: CLRN1 (clarin 1; minus strand). Cytogenetic location: 3q25.1.
Variant type: single nucleotide variant.
Coding change: c.*1038G>A on transcript NM_174878.3 (MANE Select); 1038 bases downstream of the stop codon, G replaced by A.
Molecular consequence: 3 prime UTR variant. On other transcripts: non-coding transcript variant (1), intron variant (1).
Genome position (GRCh38, 1-based): chr3:150,926,898, C>T on the plus strand (G>A on the coding strand, the complement: CLRN1 is on the minus strand). VCF-style: chr3-150926898-C-T. GRCh37 (hg19) VCF-style: chr3-150644685-C-T.
Other names: c.*1038G>A (NM_001195794.1); c.*1351G>A (NM_001256819.2); c.343-26G>A (NM_052995.2).
Identifiers: ClinVar variation 343799 (VCV000343799.37), dbSNP rs201534956, ClinGen allele CA2665886.

ClinVar aggregate classification (germline): Conflicting classifications of pathogenicity. Review status: criteria provided, conflicting classifications (1 of 4 stars). 4 submissions from 4 submitters: Uncertain significance (3); Likely benign (1). Last evaluated 2026-06-01.

Conditions:
Usher syndrome type 3. Also called: Usher Syndrome, Type III. Identifiers: Orphanet 231183, MedGen C1568248, MONDO:0016485.
Usher syndrome type 3A (USH3A). Also called: USHER SYNDROME, TYPE IIIA. Identifiers: MedGen C5779850, MONDO:0010170, OMIM 276902.

Allele frequency attached by ClinVar (database versions not stated): ESP Exome Variant Server 0.00015; gnomAD 0.00022 and 0.00040; TOPMed 0.00026; gnomAD exomes 0.00060 and 0.00118; 1000 Genomes Project 30x 0.00109; ExAC 0.00134; 1000 Genomes Project 0.00140.
gnomAD v4.1: 963 of 1,613,774 alleles (0.06%); highest among the groups gnomAD compares: South Asian, 0.65%; 9 homozygotes.

Submissions (4):

CeGaT Center for Human Genetics Tuebingen
Classification: Likely benign. Last evaluated: 2026-06-01. Review status: criteria provided, single submitter. Criteria: CeGaT Center For Human Genetics Tuebingen Variant Classification Criteria Version 2. Collection method: clinical testing. Allele origin: germline. Affected: yes. Observed: 2 variant alleles.
Comment: CLRN1: BS2

Genome-Nilou Lab
Classification: Uncertain significance for Usher syndrome type 3A. Last evaluated: 2021-05-18. Review status: criteria provided, single submitter. Criteria: ACMG Guidelines, 2015. Collection method: clinical testing. Allele origin: germline. Affected: no.

Illumina Laboratory Services, Illumina
Classification: Uncertain significance for Usher syndrome type 3A. Last evaluated: 2018-01-13. Review status: criteria provided, single submitter. Criteria: ICSL Variant Classification Criteria 13 December 2019. Collection method: clinical testing. Allele origin: germline.

Breakthrough Genomics
Classification: Uncertain significance. Review status: criteria provided, single submitter. Criteria: ACMG Guidelines, 2015. Collection method: not provided. Allele origin: germline. Inheritance: Autosomal recessive inheritance. Affected: yes.